The following is an entry in ClinVar:

ClinVar aggregate classification (germline): Uncertain significance (1 of 4 stars; one submission).

Conditions:
Dilated cardiomyopathy 1G (CMD1G). Identifiers: Orphanet 154, MedGen C1858763, MONDO:0011400, OMIM 604145.
Autosomal recessive limb-girdle muscular dystrophy type 2J (LGMDR10). Also called: MUSCULAR DYSTROPHY, LIMB-GIRDLE, AUTOSOMAL RECESSIVE 10; Limb-girdle muscular dystrophy, type 2J. Identifiers: Orphanet 140922, MedGen C1837342, MONDO:0012127, OMIM 608807.

gnomAD v4.1: 1 of 1,612,676 alleles (0.000062%); highest among the groups gnomAD compares: South Asian, 0.0011%; no homozygotes.

Submission:

Labcorp Genetics (formerly Invitae), Labcorp
Classification: Uncertain significance for Dilated cardiomyopathy 1G; Autosomal recessive limb-girdle muscular dystrophy type 2J. Last evaluated: 2022-03-17. Review status: criteria provided, single submitter. Criteria: Invitae Variant Classification Sherloc (09022015). Collection method: clinical testing. Allele origin: germline.
Comment: In summary, the available evidence is currently insufficient to determine the role of this variant in disease. Therefore, it has been classified as a Variant of Uncertain Significance. This variant is located in the M band of TTN (PMID: 25589632). Variants in this region may be relevant for neuromuscular disorders, but have not been definitively shown to cause cardiomyopathy (PMID: 23975875). Experimental studies and prediction algorithms are not available or were not evaluated, and the functional significance of this variant is currently unknown. This variant has not been reported in the literature in individuals affected with TTN-related conditions. This variant is not present in population databases (gnomAD no frequency). This sequence change replaces glutamic acid, which is acidic and polar, with valine, which is neutral and non-polar, at codon 33611 of the TTN protein (p.Glu33611Val).

Literature cited by the submitters: PubMed 25589632; PubMed 23975875.

NM_001267550.2(TTN):c.100832A>T (p.Glu33611Val)

Genes: TTN (titin; minus strand), TTN-AS1 (TTN antisense RNA 1; plus strand). Cytogenetic location: 2q31.2.
Variant type: single nucleotide variant.
Coding change: c.100832A>T on transcript NM_001267550.2 (MANE Select); coding-DNA position 100832, A replaced by T.
Protein change: p.Glu33611Val; replaces glutamic acid 33611 with valine.
Molecular consequence: missense variant. On other transcripts: non-coding transcript variant (1).
Genome position (GRCh38, 1-based): chr2:178,535,783, T>A on the plus strand (A>T on the coding strand, the complement: TTN is on the minus strand). VCF-style: chr2-178535783-T-A. GRCh37 (hg19) VCF-style: chr2-179400510-T-A.
Other names: c.95909A>T, p.Glu31970Val (NM_001256850.1); c.73637A>T, p.Glu24546Val (NM_003319.4); c.93128A>T, p.Glu31043Val (NM_133378.4); c.74012A>T, p.Glu24671Val (NM_133432.3); c.74213A>T, p.Glu24738Val (NM_133437.4); short protein forms E31043V, E31970V, E33611V, E24671V, E24546V, E24738V.
Identifiers: ClinVar variation 1384608 (VCV001384608.6), dbSNP rs2154136906, ClinGen allele CA349422808.